The following is an entry in ClinVar:

NM_000719.7(CACNA1C):c.1508+15C>T

Gene: CACNA1C (calcium voltage-gated channel subunit alpha1 C; plus strand). Cytogenetic location: 12p13.33.
Variant type: single nucleotide variant.
Coding change: c.1508+15C>T on transcript NM_000719.7 (MANE Select); 15 bases into the intron after coding-DNA position 1508, C replaced by T.
Molecular consequence: intron variant.
Genome position (GRCh38, 1-based): chr12:2,556,992, C>T. VCF-style: chr12-2556992-C-T. GRCh37 (hg19) VCF-style: chr12-2666158-C-T.
Other names: c.1508+15C>T (NM_001167624.3, NM_001167623.2, NM_001167625.2 and 18 more transcripts); c.1499+15C>T (NM_001129844.2).
Identifiers: ClinVar variation 377603 (VCV000377603.10), dbSNP rs776362233, ClinGen allele CA6388792.

ClinVar aggregate classification (germline): Benign/Likely benign. Review status: criteria provided, multiple submitters, no conflicts (2 of 4 stars). 3 submissions from 3 submitters: Benign (1); Likely benign (2). Last evaluated 2025-11-28.

Conditions:
Long QT syndrome (LQTS). Identifiers: MedGen C0023976, MeSH D008133, MONDO:0002442. Disease mechanism: loss of function. Inheritance: Various modes of inheritance.

Allele frequency attached by ClinVar (database versions not stated): TOPMed 0.00003; ExAC 0.00007; gnomAD 0.00009 and 0.00011; gnomAD exomes 0.00012.
gnomAD v4.1: 133 of 1,609,002 alleles (0.0083%); highest among the groups gnomAD compares: East Asian, 0.0089%; no homozygotes.

Submissions (3):

Labcorp Genetics (formerly Invitae), Labcorp
Classification: Likely benign for Long QT syndrome. Last evaluated: 2025-11-28. Review status: criteria provided, single submitter. Criteria: Invitae Variant Classification Sherloc (09022015). Collection method: clinical testing. Allele origin: germline.

Blueprint Genetics
Classification: Likely benign. Last evaluated: 2020-07-12. Review status: criteria provided, single submitter. Criteria: ACMG Guidelines, 2015. Collection method: clinical testing. Allele origin: germline.

GeneDx
Classification: Benign. Last evaluated: 2016-05-31. Review status: criteria provided, single submitter. Criteria: GeneDx Variant Classification (06012015). Collection method: clinical testing. Allele origin: germline. Affected: yes.
Comment: This variant is considered likely benign or benign based on one or more of the following criteria: it is a conservative change, it occurs at a poorly conserved position in the protein, it is predicted to be benign by multiple in silico algorithms, and/or has population frequency not consistent with disease.